The following is an entry in ClinVar:

NM_000088.4(COL1A1):c.65_66delinsTT (p.Gly22Val)

Gene: COL1A1 (collagen type I alpha 1 chain; minus strand). Cytogenetic location: 17q21.33.
Variant type: Indel.
Coding change: c.65_66delinsTT on transcript NM_000088.4 (MANE Select); coding-DNA positions 65 to 66, GC replaced by TT.
Protein change: p.Gly22Val; replaces glycine 22 with valine.
Molecular consequence: missense variant.
Genome position (GRCh38, 1-based): chr17:50,201,448-50,201,449, GC replaced by AA on the plus strand (GC replaced by TT on the coding strand, the reverse complement: COL1A1 is on the minus strand). VCF-style: chr17-50201448-GC-AA. GRCh37 (hg19) VCF-style: chr17-48278809-GC-AA.
Other names: c.65_66delGCinsTT, p.Gly22Val (NM_000088.3); short protein forms G22V.
Identifiers: ClinVar variation 2630331 (VCV002630331.1), dbSNP rs2509266853, ClinGen allele CA2695200277.
Genomic context (GRCh38, chr17:50,201,448, plus strand): 5'-ACTCCCAAAAGTTTGGGACTTACTGTCTTCGTCTTGGCCCTCGACTTGGCCTTCCTCTTG[GC>AA]CGTGCGTCAGGAGGGCGGTGGCCGCTAAGAGGAGCAGGAGCCGGAGGTCCACAAAGCTGA-3'
Protein context (NP_000079.2, residues 12-32): LLAATALLTH[Gly22Val]QEEGQVEGQD

ClinVar aggregate classification (germline): Likely pathogenic (1 of 4 stars; one submission).

Conditions:
COL1A1-related disorder. Also called: COL1A1- related disease; COL1A1-related condition.

Submission:

PreventionGenetics, part of Exact Sciences
Classification: Likely pathogenic for COL1A1-related condition. Last evaluated: 2023-02-17. Review status: criteria provided, single submitter. Criteria: ACMG Guidelines, 2015. Collection method: clinical testing. Allele origin: germline.
Comment: The COL1A1 c.65_66delinsTT variant is predicted to result in an in-frame deletion and insertion. To our knowledge, this variant has not been reported in the literature or in a large population database, indicating this variant is rare. This variant is located in the signal cleavage recognition site of the N-terminal signal sequence of COL1A1 and variants affecting this amino acid (p.Gly22Arg and p.Gly22_Gln23del) have been reported in patients with osteogenesis imperfecta (Lindert et al. 2018. PubMed ID: 29101475; Table S1 - Lindahl et al. 2015. PubMed ID: 26177859). The p.Gly22Arg variant was shown to disrupt COL1A1 secretion (Lindert et al. 2018. PubMed ID: 29101475). This variant is interpreted as likely pathogenic.